The following is an entry in ClinVar:

NM_052947.4(ALPK2):c.2093A>G (p.His698Arg)

Gene: ALPK2 (alpha kinase 2; minus strand). Cytogenetic location: 18q21.31.
Variant type: single nucleotide variant.
Coding change: c.2093A>G on transcript NM_052947.4 (MANE Select); coding-DNA position 2093, A replaced by G.
Protein change: p.His698Arg; replaces histidine 698 with arginine.
Molecular consequence: missense variant.
Genome position (GRCh38, 1-based): chr18:58,538,094, T>C on the plus strand (A>G on the coding strand, the complement: ALPK2 is on the minus strand). VCF-style: chr18-58538094-T-C. GRCh37 (hg19) VCF-style: chr18-56205326-T-C.
Other names: short protein forms H698R.
Identifiers: ClinVar variation 3531397 (VCV003531397.1).
Genomic context (GRCh38, chr18:58,538,094, plus strand): 5'-TGTGGACCACAGGTACAGGGTTTGACCTCCGAGTGTTGAGCTAATGATGCATTTTCCTTG[T>C]GGACCCCTCCTAAGTTTGAGAAGGAAATTGTTGTGGTCCCAGTGAATGGGGACTCCTCCC-3'
Protein context (NP_443179.3, residues 688-708): TISFSNLGGV[His698Arg]KENASLAQHS

ClinVar aggregate classification (germline): Uncertain significance (1 of 4 stars; one submission).

Submission:

Ambry Genetics
Classification: Uncertain significance. Last evaluated: 2024-09-06. Review status: criteria provided, single submitter. Criteria: Ambry Variant Classification Scheme 2023. Collection method: clinical testing. Allele origin: germline.
Comment: The p.H698R variant (also known as c.2093A>G), located in coding exon 4 of the ALPK2 gene, results from an A to G substitution at nucleotide position 2093. The histidine at codon 698 is replaced by arginine, an amino acid with highly similar properties. This amino acid position is conserved. In addition, this alteration is predicted to be tolerated by in silico analysis. Based on the available evidence, the clinical significance of this variant remains unclear.